The following is an entry in ClinVar:

ClinVar aggregate classification (germline): Uncertain significance. Review status: criteria provided, multiple submitters, no conflicts (2 of 4 stars). 2 submissions from 2 submitters: Uncertain significance (2). Last evaluated 2026-04-02.

Conditions:
Autosomal recessive early-onset Parkinson disease 6 (PARK6). Also called: PARKINSON DISEASE 6, EARLY-ONSET; PINK1-Related Parkinson Disease; PINK1 Type of Young-Onset Parkinson Disease; PARKINSON DISEASE 6, MODIFIER OF. Identifiers: Orphanet 2828, MedGen C1853833, MONDO:0011613, OMIM 605909.

Allele frequency attached by ClinVar (database versions not stated): gnomAD 0.00007.
gnomAD v4.1: 33 of 1,614,054 alleles (0.002%); highest among the groups gnomAD compares: Admixed American, 0.015%; no homozygotes.

Submissions (2):

GeneDx
Classification: Uncertain significance. Last evaluated: 2026-04-02. Review status: criteria provided, single submitter. Criteria: GeneDx Variant Classification Process June 2021. Collection method: clinical testing. Allele origin: germline.
Comment: Reported in the heterozygous state in a patient with Parkinson's disease; however, a second variant in PINK1 was not identified (PMID: 32713623); In silico analysis supports that this missense variant has a deleterious effect on protein structure/function; Not observed at significant frequency in large population cohorts (gnomAD); This variant is associated with the following publications: (PMID: 32713623)

Labcorp Genetics (formerly Invitae), Labcorp
Classification: Uncertain significance for Autosomal recessive early-onset Parkinson disease 6. Last evaluated: 2025-08-21. Review status: criteria provided, single submitter. Criteria: Invitae Variant Classification Sherloc (09022015). Collection method: clinical testing. Allele origin: germline.
Comment: This sequence change replaces proline, which is neutral and non-polar, with leucine, which is neutral and non-polar, at codon 142 of the PINK1 protein (p.Pro142Leu). This variant is present in population databases (rs775160272, gnomAD 0.02%). This missense change has been observed in individual(s) with autosomal dominant Parkinson disease (PMID: 32713623). ClinVar contains an entry for this variant (Variation ID: 2105027). An algorithm developed to predict the effect of missense changes on protein structure and function outputs the following: PolyPhen-2: "Benign". The leucine amino acid residue is found in multiple mammalian species, which suggests that this missense change does not adversely affect protein function. In summary, the available evidence is currently insufficient to determine the role of this variant in disease. Therefore, it has been classified as a Variant of Uncertain Significance.

Literature cited by the submitters: PubMed 32713623 (cited by Labcorp Genetics (formerly Invitae), Labcorp).

NM_032409.3(PINK1):c.425C>T (p.Pro142Leu)

Gene: PINK1 (PTEN induced kinase 1; plus strand). Cytogenetic location: 1p36.12.
Variant type: single nucleotide variant.
Coding change: c.425C>T on transcript NM_032409.3 (MANE Select); coding-DNA position 425, C replaced by T.
Protein change: p.Pro142Leu; replaces proline 142 with leucine.
Molecular consequence: missense variant.
Genome position (GRCh38, 1-based): chr1:20,637,879, C>T. VCF-style: chr1-20637879-C-T. GRCh37 (hg19) VCF-style: chr1-20964372-C-T.
Other names: c.425C>T (NM_032409.2); short protein forms P142L.
Identifiers: ClinVar variation 2105027 (VCV002105027.6), dbSNP rs775160272, ClinGen allele CA660423.